The following is an entry in ClinVar:

NM_000038.6(APC):c.2711_2712del (p.Arg904fs)

Gene: APC (APC regulator of Wnt signaling pathway; plus strand). Cytogenetic location: 5q22.2.
Variant type: Deletion.
Coding change: c.2711_2712del on transcript NM_000038.6 (MANE Select); coding-DNA positions 2711 to 2712, 2 bases deleted (GA; older notation c.2711_2712delGA).
Protein change: p.Arg904fs; shifts the reading frame from arginine 904.
Molecular consequence: frameshift variant.
Genome position (GRCh38, 1-based): chr5:112,838,305-112,838,306, GA deleted; deleting any 2 consecutive bases within chr5:112,838,304-112,838,306 gives the same sequence; the c. name uses the placement nearest the transcript's 3' end. VCF-style (leftmost placement, unchanged base first): chr5-112838303-CAG-C. GRCh37 (hg19) VCF-style: chr5-112174000-CAG-C.
Other names: c.2711_2712del, p.Arg904fs (NM_001127510.3, NM_001354895.2); c.2657_2658del, p.Arg886fs (NM_001127511.3); c.2765_2766del, p.Arg922fs (NM_001354896.2); c.2741_2742del, p.Arg914fs (NM_001354897.2); c.2636_2637del, p.Arg879fs (NM_001354898.2); c.2627_2628del, p.Arg876fs (NM_001354899.2); c.2588_2589del, p.Arg863fs (NM_001354900.2); c.2534_2535del, p.Arg845fs (NM_001354901.2); and 7 more; short protein forms R778fs, R845fs, R879fs, R886fs, R922fs, R813fs, R621fs, R744fs.
Identifiers: ClinVar variation 490252 (VCV000490252.21), dbSNP rs1554084403, ClinGen allele CA645562860.

ClinVar aggregate classification (germline): Pathogenic. Review status: criteria provided, multiple submitters, no conflicts (2 of 4 stars). 5 submissions from 5 submitters: Pathogenic (5). Last evaluated 2025-01-13.

Conditions:
Familial multiple polyposis syndrome (FAP). Also called: Familial adenomatous polyposis; Familial intestinal polyposis; Familial Adenomatous Polyposis (FAP); Familial polyposis; Classic familial adenomatous polyposis. Identifiers: Orphanet 733, MedGen C0032580, MONDO:0021055. Disease mechanism: loss of function.
Familial adenomatous polyposis 1 (FAP1). Also called: POLYPOSIS, ADENOMATOUS INTESTINAL; FAMILIAL ADENOMATOUS POLYPOSIS 1, ATTENUATED. Identifiers: MedGen C2713442, MONDO:0021056, OMIM 175100. Disease mechanism: loss of function.
Hereditary cancer-predisposing syndrome. Also called: Hereditary Cancer Syndrome; Neoplastic Syndromes, Hereditary; Tumor predisposition; Hereditary neoplastic syndrome. Identifiers: Orphanet 140162, MedGen C0027672, MeSH D009386, MONDO:0015356.

Submissions (5):

Ambry Genetics
Classification: Pathogenic for Hereditary cancer-predisposing syndrome. Last evaluated: 2025-01-13. Review status: criteria provided, single submitter. Criteria: Ambry Variant Classification Scheme 2023. Collection method: clinical testing. Allele origin: germline.
Comment: The c.2711_2712delGA pathogenic mutation, located in coding exon 15 of the APC gene, results from a deletion of two nucleotides at nucleotide positions 2711 to 2712, causing a translational frameshift with a predicted alternate stop codon (p.R904Kfs*7). This alteration occurs at the 3' terminus of the APC gene, is not expected to trigger nonsense-mediated mRNA decay, and impacts the last 67% of the protein. However, premature stop codons are typically deleterious in nature and the impacted region is critical for protein function and a significant portion of the protein is affected (Ambry internal data). This variant was reported in individual(s) with features consistent with familial adenomatous polyposis (Ambry internal data). This alteration is expected to result in loss of function by premature protein truncation. As such, this alteration is interpreted as a disease-causing mutation.

Labcorp Genetics (formerly Invitae), Labcorp
Classification: Pathogenic for Familial adenomatous polyposis 1. Last evaluated: 2024-07-06. Review status: criteria provided, single submitter. Criteria: Invitae Variant Classification Sherloc (09022015). Collection method: clinical testing. Allele origin: germline.
Comment: This sequence change creates a premature translational stop signal (p.Arg904Lysfs*7) in the APC gene. While this is not anticipated to result in nonsense mediated decay, it is expected to disrupt the last 1940 amino acid(s) of the APC protein. This variant is not present in population databases (gnomAD no frequency). This premature translational stop signal has been observed in individual(s) with adenomatous polyposis coli (PMID: 16134147). ClinVar contains an entry for this variant (Variation ID: 490252). This variant is expected to disrupt the EB1 and HDLG binding sites, which mediate interactions with the cytoskeleton (PMID: 15311282, 17293347). While functional studies have not been performed to directly test the effect on APC protein function, this suggests that disruption of the C-terminal portion of the protein is functionally important. A different truncation (p.Tyr2645Lysfs*14) that lies downstream of this variant has been determined to be pathogenic (PMID: 9824584, 1316610, 27081525, 8381579, 22135120, Invitae). This suggests that deletion of this region of the APC protein is causative of disease. For these reasons, this variant has been classified as Pathogenic.

Women's Health and Genetics/Laboratory Corporation of America, LabCorp
Classification: Pathogenic for Familial multiple polyposis syndrome. Last evaluated: 2024-02-16. Review status: criteria provided, single submitter. Criteria: LabCorp Variant Classification Summary - May 2015. Collection method: clinical testing. Allele origin: germline.
Comment: Variant summary: APC c.2711_2712delGA (p.Arg904LysfsX7) results in a premature termination codon, predicted to cause a truncation of the encoded protein, although it is not expected to result in nonsense mediated decay. The variant was absent in 250980 control chromosomes (gnomAD). c.2711_2712delGA has been reported in the literature in individuals affected with Familial Adenomatous Polyposis (Aceto_2005, Sanders_2006, Xavier_2021). Truncating variants downstream of this position have been classified as pathogenic. The following publications have been ascertained in the context of this evaluation (PMID: 16134147, 34259353, 16106429). ClinVar contains an entry for this variant (Variation ID: 490252). Based on the evidence outlined above, the variant was classified as pathogenic.

Myriad Genetics, Inc.
Classification: Pathogenic for Familial adenomatous polyposis 1. Last evaluated: 2023-05-05. Review status: criteria provided, single submitter. Criteria: Myriad Autosomal Dominant, Autosomal Recessive and X-Linked Classification Criteria (2023). Collection method: clinical testing. Allele origin: unknown.
Comment: This variant is considered pathogenic. This variant creates a frameshift predicted to result in premature protein truncation.

Color Diagnostics, LLC DBA Color Health
Classification: Pathogenic for Hereditary cancer-predisposing syndrome. Last evaluated: 2020-02-16. Review status: criteria provided, single submitter. Criteria: ACMG Guidelines, 2015. Collection method: clinical testing. Allele origin: germline.
Comment: This variant deletes 2 nucleotides in exon 16 of the APC gene, creating a frameshift and premature translation stop signal. This variant is expected to result in an absent or non-functional protein product. To our knowledge, functional studies have not been performed for this variant. This variant has been reported in an individual affected with familial adenomatous polyposis (PMID: 16134147). This variant has not been identified in the general population by the Genome Aggregation Database (gnomAD). Loss of APC function is a known mechanism of disease. Based on the available evidence, this variant is classified as Pathogenic.

Literature cited by the submitters: PubMed 16134147 (cited by 3 submitters); PubMed 15311282 (cited by Labcorp Genetics (formerly Invitae), Labcorp); PubMed 17293347 (cited by Labcorp Genetics (formerly Invitae), Labcorp); PubMed 9824584 (cited by Labcorp Genetics (formerly Invitae), Labcorp); PubMed 1316610 (cited by Labcorp Genetics (formerly Invitae), Labcorp); PubMed 27081525 (cited by Labcorp Genetics (formerly Invitae), Labcorp); PubMed 8381579 (cited by Labcorp Genetics (formerly Invitae), Labcorp); PubMed 22135120 (cited by Labcorp Genetics (formerly Invitae), Labcorp); PubMed 16106429 (cited by Women's Health and Genetics/Laboratory Corporation of America, LabCorp); PubMed 34259353 (cited by Women's Health and Genetics/Laboratory Corporation of America, LabCorp).